The following is an entry in ClinVar:

ClinVar aggregate classification (germline): Likely benign (1 of 4 stars; one submission).

gnomAD v4.1: 6,811 of 1,593,602 alleles (0.43%); highest among the groups gnomAD compares: Non-Finnish European, 0.52%; 20 homozygotes.

Submission:

CeGaT Center for Human Genetics Tuebingen
Classification: Likely benign. Last evaluated: 2026-05-01. Review status: criteria provided, single submitter. Criteria: CeGaT Center For Human Genetics Tuebingen Variant Classification Criteria Version 2. Collection method: clinical testing. Allele origin: germline. Affected: yes. Observed: 1 variant allele.
Comment: NRBP2: BP4, BP7, BS2

NM_178564.4(NRBP2):c.1377C>T (p.Leu459=)

Gene: NRBP2 (nuclear receptor binding protein 2; minus strand). Cytogenetic location: 8q24.3.
Variant type: single nucleotide variant.
Coding change: c.1377C>T on transcript NM_178564.4 (MANE Select); coding-DNA position 1377, C replaced by T.
Protein change: p.Leu459=; no amino-acid change (leucine 459 retained).
Molecular consequence: synonymous variant.
Genome position (GRCh38, 1-based): chr8:143,835,971, G>A on the plus strand (C>T on the coding strand, the complement: NRBP2 is on the minus strand). VCF-style: chr8-143835971-G-A. GRCh37 (hg19) VCF-style: chr8-144918141-G-A.
Identifiers: ClinVar variation 4872032 (VCV004872032.2).